The following is an entry in ClinVar:

ClinVar aggregate classification (germline): Uncertain significance (1 of 4 stars; one submission).

Conditions:
Epilepsy. Also called: Seizure disorder. Identifiers: MedGen C0014544, MeSH D004827, MONDO:0005027.

Allele frequency attached by ClinVar (database versions not stated): gnomAD exomes below 0.00001 and 0.00001; gnomAD 0.00002 and 0.00001; ExAC 0.00005; 1000 Genomes Project 30x 0.00016; 1000 Genomes Project 0.00020.

Submission:

Labcorp Genetics (formerly Invitae), Labcorp
Classification: Uncertain significance for Epilepsy. Last evaluated: 2019-07-15. Review status: criteria provided, single submitter. Criteria: Invitae Variant Classification Sherloc (09022015). Collection method: clinical testing. Allele origin: germline.
Comment: Algorithms developed to predict the effect of missense changes on protein structure and function output the following: SIFT: "Deleterious"; PolyPhen-2: "Benign"; Align-GVGD: "Class C0". The threonine amino acid residue is found in multiple mammalian species, suggesting that this missense change does not adversely affect protein function. These predictions have not been confirmed by published functional studies and their clinical significance is uncertain. In summary, the available evidence is currently insufficient to determine the role of this variant in disease. Therefore, it has been classified as a Variant of Uncertain Significance. This variant has not been reported in the literature in individuals with PIGQ-related conditions. This variant is present in population databases (rs545824092, ExAC 0.04%). This sequence change replaces methionine with threonine at codon 291 of the PIGQ protein (p.Met291Thr). The methionine residue is weakly conserved and there is a moderate physicochemical difference between methionine and threonine.

NM_004204.5(PIGQ):c.872T>C (p.Met291Thr)

Gene: PIGQ (phosphatidylinositol glycan anchor biosynthesis class Q; plus strand). Cytogenetic location: 16p13.3.
Variant type: single nucleotide variant.
Coding change: c.872T>C on transcript NM_004204.5 (MANE Select); coding-DNA position 872, T replaced by C.
Protein change: p.Met291Thr; replaces methionine 291 with threonine.
Molecular consequence: missense variant.
Genome position (GRCh38, 1-based): chr16:576,184, T>C. VCF-style: chr16-576184-T-C. GRCh37 (hg19) VCF-style: chr16-626184-T-C.
Other names: c.872T>C, p.Met291Thr (NM_148920.4); short protein forms M291T.
Identifiers: ClinVar variation 941289 (VCV000941289.10), dbSNP rs545824092, ClinGen allele CA7780013.